The following is an entry in ClinVar:

NM_206933.4(USH2A):c.10265G>A (p.Ser3422Asn)

Gene: USH2A (usherin; minus strand). Cytogenetic location: 1q41.
Variant type: single nucleotide variant.
Coding change: c.10265G>A on transcript NM_206933.4 (MANE Select); coding-DNA position 10265, G replaced by A.
Protein change: p.Ser3422Asn; replaces serine 3422 with asparagine.
Molecular consequence: missense variant.
Genome position (GRCh38, 1-based): chr1:215,786,792, C>T on the plus strand (G>A on the coding strand, the complement: USH2A is on the minus strand). VCF-style: chr1-215786792-C-T. GRCh37 (hg19) VCF-style: chr1-215960134-C-T.
Other names: short protein forms S3422N.
Identifiers: ClinVar variation 1501247 (VCV001501247.5), dbSNP rs773660267, ClinGen allele CA1394064.

ClinVar aggregate classification (germline): Uncertain significance. Review status: criteria provided, multiple submitters, no conflicts (2 of 4 stars). 4 submissions from 3 submitters: Uncertain significance (4). Last evaluated 2023-11-04.

Conditions:
Usher syndrome type 2A. Also called: RETINAL DISEASE IN USHER SYNDROME TYPE IIA, MODIFIER OF; USHER SYNDROME, TYPE IIA. Identifiers: Orphanet 231178, Orphanet 886, MedGen C1848634, MONDO:0010169, OMIM 276901.
Retinitis pigmentosa 39 (RP39). Identifiers: Orphanet 791, MedGen C3151138, MONDO:0013436, OMIM 613809.

Allele frequency attached by ClinVar (database versions not stated): gnomAD exomes below 0.00001; ExAC 0.00001.
gnomAD v4.1: 1 of 1,613,748 alleles (0.000062%); highest among the groups gnomAD compares: Admixed American, 0.0017%; no homozygotes.

Submissions (4):

Genome-Nilou Lab
Classification: Uncertain significance for Retinitis pigmentosa 39. Last evaluated: 2023-11-04. Review status: criteria provided, single submitter. Criteria: ACMG Guidelines, 2015. Collection method: clinical testing. Allele origin: germline. Affected: no.

Genome-Nilou Lab
Classification: Uncertain significance for Usher syndrome type 2A. Last evaluated: 2023-11-04. Review status: criteria provided, single submitter. Criteria: ACMG Guidelines, 2015. Collection method: clinical testing. Allele origin: germline. Affected: no.

Laboratorio de Genetica e Diagnostico Molecular, Hospital Israelita Albert Einstein
Classification: Uncertain significance for Usher syndrome type 2A. Last evaluated: 2022-12-15. Review status: criteria provided, single submitter. Criteria: ACMG Guidelines, 2015. Collection method: clinical testing. Allele origin: germline. Affected: yes. Observed: 1 variant allele.
Comment: ACMG classification criteria: PM2 moderated, BP4 supporting

Labcorp Genetics (formerly Invitae), Labcorp
Classification: Uncertain significance. Last evaluated: 2022-08-29. Review status: criteria provided, single submitter. Criteria: Invitae Variant Classification Sherloc (09022015). Collection method: clinical testing. Allele origin: germline.
Comment: This sequence change replaces serine, which is neutral and polar, with asparagine, which is neutral and polar, at codon 3422 of the USH2A protein (p.Ser3422Asn). This variant is not present in population databases (gnomAD no frequency). This variant has not been reported in the literature in individuals affected with USH2A-related conditions. ClinVar contains an entry for this variant (Variation ID: 1501247). Algorithms developed to predict the effect of missense changes on protein structure and function (SIFT, PolyPhen-2, Align-GVGD) all suggest that this variant is likely to be tolerated. In summary, the available evidence is currently insufficient to determine the role of this variant in disease. Therefore, it has been classified as a Variant of Uncertain Significance.